The following is an entry in ClinVar:

NM_152617.4(RNF168):c.19G>T (p.Ala7Ser)

Gene: RNF168 (ring finger protein 168; minus strand). Cytogenetic location: 3q29.
Variant type: single nucleotide variant.
Coding change: c.19G>T on transcript NM_152617.4 (MANE Select); coding-DNA position 19, G replaced by T.
Protein change: p.Ala7Ser; replaces alanine 7 with serine.
Molecular consequence: missense variant.
Genome position (GRCh38, 1-based): chr3:196,503,155, C>A on the plus strand (G>T on the coding strand, the complement: RNF168 is on the minus strand). VCF-style: chr3-196503155-C-A. GRCh37 (hg19) VCF-style: chr3-196230026-C-A.
Other names: c.19G>T (NM_152617.3); short protein forms A7S.
Identifiers: ClinVar variation 1355755 (VCV001355755.4), dbSNP rs377498695, ClinGen allele CA2781068.

ClinVar aggregate classification (germline): Uncertain significance. Review status: criteria provided, multiple submitters, no conflicts (2 of 4 stars). 2 submissions from 2 submitters: Uncertain significance (2). Last evaluated 2023-06-02.

Conditions:
Inborn genetic diseases. Identifiers: MedGen C0950123, MeSH D030342.

Allele frequency attached by ClinVar (database versions not stated): gnomAD exomes 0.00002.
gnomAD v4.1: 13 of 1,614,026 alleles (0.00081%); highest among the groups gnomAD compares: East Asian, 0.013%; no homozygotes.

Submissions (2):

Ambry Genetics
Classification: Uncertain significance for Inborn genetic diseases. Last evaluated: 2023-06-02. Review status: criteria provided, single submitter. Criteria: Ambry Variant Classification Scheme 2023. Collection method: clinical testing. Allele origin: germline.

Labcorp Genetics (formerly Invitae), Labcorp
Classification: Uncertain significance. Last evaluated: 2022-08-09. Review status: criteria provided, single submitter. Criteria: Invitae Variant Classification Sherloc (09022015). Collection method: clinical testing. Allele origin: germline.
Comment: This sequence change replaces alanine, which is neutral and non-polar, with serine, which is neutral and polar, at codon 7 of the RNF168 protein (p.Ala7Ser). This variant is present in population databases (rs377498695, gnomAD 0.03%). This variant has not been reported in the literature in individuals affected with RNF168-related conditions. ClinVar contains an entry for this variant (Variation ID: 1355755). Algorithms developed to predict the effect of missense changes on protein structure and function output the following: SIFT: "Tolerated"; PolyPhen-2: "Benign"; Align-GVGD: "Class C0". The serine amino acid residue is found in multiple mammalian species, which suggests that this missense change does not adversely affect protein function. In summary, the available evidence is currently insufficient to determine the role of this variant in disease. Therefore, it has been classified as a Variant of Uncertain Significance.